The following is an entry in ClinVar:

NM_004655.4(AXIN2):c.1265C>T (p.Pro422Leu)

Gene: AXIN2 (axin 2; minus strand). Cytogenetic location: 17q24.1.
Variant type: single nucleotide variant.
Coding change: c.1265C>T on transcript NM_004655.4 (MANE Select); coding-DNA position 1265, C replaced by T.
Protein change: p.Pro422Leu; replaces proline 422 with leucine.
Molecular consequence: missense variant.
Genome position (GRCh38, 1-based): chr17:65,537,771, G>A on the plus strand (C>T on the coding strand, the complement: AXIN2 is on the minus strand). VCF-style: chr17-65537771-G-A. GRCh37 (hg19) VCF-style: chr17-63533889-G-A.
Other names: c.1265C>T, p.Pro422Leu (NM_001363813.1); short protein forms P422L.
Identifiers: ClinVar variation 1764021 (VCV001764021.4), dbSNP rs2043960961, ClinGen allele CA400677848.

ClinVar aggregate classification (germline): Uncertain significance. Review status: criteria provided, multiple submitters, no conflicts (2 of 4 stars). 2 submissions from 2 submitters: Uncertain significance (2). Last evaluated 2024-12-15.

Conditions:
Hereditary cancer-predisposing syndrome. Also called: Neoplastic Syndromes, Hereditary; Tumor predisposition; Hereditary Cancer Syndrome; Hereditary neoplastic syndrome. Identifiers: Orphanet 140162, MedGen C0027672, MeSH D009386, MONDO:0015356.
Oligodontia-cancer predisposition syndrome. Also called: TOOTH AGENESIS-COLORECTAL CANCER SYNDROME. Identifiers: Orphanet 300576, MedGen C1837750, MONDO:0012075, OMIM 608615. Disease mechanism: loss of function.

Allele frequency attached by ClinVar (database versions not stated): gnomAD exomes below 0.00001.
gnomAD v4.1: 1 of 1,587,008 alleles (0.000063%); highest among the groups gnomAD compares: Non-Finnish European, 0.000086%; no homozygotes.

Submissions (2):

Labcorp Genetics (formerly Invitae), Labcorp
Classification: Uncertain significance for Oligodontia-cancer predisposition syndrome. Last evaluated: 2024-12-15. Review status: criteria provided, single submitter. Criteria: Invitae Variant Classification Sherloc (09022015). Collection method: clinical testing. Allele origin: germline.
Comment: This sequence change replaces proline, which is neutral and non-polar, with leucine, which is neutral and non-polar, at codon 422 of the AXIN2 protein (p.Pro422Leu). This variant is not present in population databases (gnomAD no frequency). This variant has not been reported in the literature in individuals affected with AXIN2-related conditions. ClinVar contains an entry for this variant (Variation ID: 1764021). Invitae Evidence Modeling of protein sequence and biophysical properties (such as structural, functional, and spatial information, amino acid conservation, physicochemical variation, residue mobility, and thermodynamic stability) indicates that this missense variant is not expected to disrupt AXIN2 protein function with a negative predictive value of 80%. In summary, the available evidence is currently insufficient to determine the role of this variant in disease. Therefore, it has been classified as a Variant of Uncertain Significance.

Ambry Genetics
Classification: Uncertain significance for Hereditary cancer-predisposing syndrome. Last evaluated: 2022-08-12. Review status: criteria provided, single submitter. Criteria: Ambry Variant Classification Scheme 2023. Collection method: clinical testing. Allele origin: germline.
Comment: The p.P422L variant (also known as c.1265C>T), located in coding exon 5 of the AXIN2 gene, results from a C to T substitution at nucleotide position 1265. The proline at codon 422 is replaced by leucine, an amino acid with similar properties. This amino acid position is conserved. In addition, this alteration is predicted to be tolerated by in silico analysis. Since supporting evidence is limited at this time, the clinical significance of this alteration remains unclear.